The following is an entry in ClinVar:

NM_001103.4(ACTN2):c.1490C>T (p.Thr497Ile)

Gene: ACTN2 (actinin alpha 2; plus strand). Cytogenetic location: 1q43.
Variant type: single nucleotide variant.
Coding change: c.1490C>T on transcript NM_001103.4 (MANE Select); coding-DNA position 1490, C replaced by T.
Protein change: p.Thr497Ile; replaces threonine 497 with isoleucine.
Molecular consequence: missense variant. On other transcripts: non-coding transcript variant (1).
Genome position (GRCh38, 1-based): chr1:236,747,750, C>T. VCF-style: chr1-236747750-C-T. GRCh37 (hg19) VCF-style: chr1-236911050-C-T.
Other names: c.1490C>T, p.Thr497Ile (NM_001278343.2); short protein forms T497I.
Identifiers: ClinVar variation 3751057 (VCV003751057.2).

ClinVar aggregate classification (germline): Uncertain significance (1 of 4 stars; one submission).

Conditions:
Primary familial hypertrophic cardiomyopathy (HCM). Identifiers: Orphanet 99739, MedGen C0949658, MeSH D024741, MONDO:0024573. Inheritance: Various modes of inheritance.
Dilated cardiomyopathy 1AA (CMD1AA). Also called: CARDIOMYOPATHY, DILATED, 1AA, WITH OR WITHOUT LEFT VENTRICULAR NONCOMPACTION; CARDIOMYOPATHY, FAMILIAL HYPERTROPHIC, 23, WITH OR WITHOUT LEFT VENTRICULAR NONCOMPACTION; Cardiomyopathy, dilated, 1AA, with or without LVNC. Identifiers: Orphanet 154, MedGen C2677338, MONDO:0012808, OMIM 612158.

Submission:

Labcorp Genetics (formerly Invitae), Labcorp
Classification: Uncertain significance for Primary familial hypertrophic cardiomyopathy; Dilated cardiomyopathy 1AA. Last evaluated: 2024-04-25. Review status: criteria provided, single submitter. Criteria: Invitae Variant Classification Sherloc (09022015). Collection method: clinical testing. Allele origin: germline.
Comment: This sequence change replaces threonine, which is neutral and polar, with isoleucine, which is neutral and non-polar, at codon 497 of the ACTN2 protein (p.Thr497Ile). This variant is not present in population databases (gnomAD no frequency). This variant has not been reported in the literature in individuals affected with ACTN2-related conditions. Advanced modeling of protein sequence and biophysical properties (such as structural, functional, and spatial information, amino acid conservation, physicochemical variation, residue mobility, and thermodynamic stability) performed at Invitae indicates that this missense variant is not expected to disrupt ACTN2 protein function with a negative predictive value of 80%. In summary, the available evidence is currently insufficient to determine the role of this variant in disease. Therefore, it has been classified as a Variant of Uncertain Significance.